The following is an entry in ClinVar:

ClinVar aggregate classification (germline): Likely pathogenic (1 of 4 stars; one submission).

Submission:

GeneDx
Classification: Likely pathogenic. Last evaluated: 2024-11-18. Review status: criteria provided, single submitter. Criteria: GeneDx Variant Classification Process June 2021. Collection method: clinical testing. Allele origin: germline. Affected: yes.
Comment: Not observed at significant frequency in large population cohorts (gnomAD); In silico analysis supports that this missense variant has a deleterious effect on protein structure/function; Has not been previously published as pathogenic or benign to our knowledge; This variant is associated with the following publications: (PMID: 26986877)

NM_005654.6(NR2F1):c.758G>T (p.Arg253Leu)

Gene: NR2F1 (nuclear receptor subfamily 2 group F member 1; plus strand). Cytogenetic location: 5q15.
Variant type: single nucleotide variant.
Coding change: c.758G>T on transcript NM_005654.6 (MANE Select); coding-DNA position 758, G replaced by T.
Protein change: p.Arg253Leu; replaces arginine 253 with leucine.
Molecular consequence: missense variant.
Genome position (GRCh38, 1-based): chr5:93,588,211, G>T. VCF-style: chr5-93588211-G-T. GRCh37 (hg19) VCF-style: chr5-92923917-G-T.
Other names: c.308G>T, p.Arg103Leu (NM_001410754.1); short protein forms R103L, R253L.
Identifiers: ClinVar variation 3899546 (VCV003899546.1).